The following is an entry in ClinVar:

ClinVar aggregate classification (germline): Uncertain significance (1 of 4 stars; one submission).

Conditions:
Jeune thoracic dystrophy. Also called: Jeune syndrome; Infantile thoracic dystrophy; Thoracic pelvic phalangeal dystrophy; Jeune's syndrome; Chondroectodermal dysplasia-like syndrome; Short-rib thoracic dysplasia. Identifiers: Orphanet 474, MedGen C0265275, MONDO:0018770.

gnomAD v4.1: 24 of 1,612,308 alleles (0.0015%); highest among the groups gnomAD compares: South Asian, 0.0022%; no homozygotes.

Submission:

Labcorp Genetics (formerly Invitae), Labcorp
Classification: Uncertain significance for Jeune thoracic dystrophy. Last evaluated: 2025-04-10. Review status: criteria provided, single submitter. Criteria: Invitae Variant Classification Sherloc (09022015). Collection method: clinical testing. Allele origin: germline.
Comment: This sequence change replaces valine, which is neutral and non-polar, with methionine, which is neutral and non-polar, at codon 2923 of the DYNC2H1 protein (p.Val2923Met). This variant is present in population databases (rs200377414, gnomAD 0.003%). This variant has not been reported in the literature in individuals affected with DYNC2H1-related conditions. Invitae Evidence Modeling of protein sequence and biophysical properties (such as structural, functional, and spatial information, amino acid conservation, physicochemical variation, residue mobility, and thermodynamic stability) indicates that this missense variant is not expected to disrupt DYNC2H1 protein function with a negative predictive value of 95%. In summary, the available evidence is currently insufficient to determine the role of this variant in disease. Therefore, it has been classified as a Variant of Uncertain Significance.

NM_001377.3(DYNC2H1):c.8767G>A (p.Val2923Met)

Gene: DYNC2H1 (dynein cytoplasmic 2 heavy chain 1; plus strand). Cytogenetic location: 11q22.3.
Variant type: single nucleotide variant.
Coding change: c.8767G>A on transcript NM_001377.3 (MANE Select); coding-DNA position 8767, G replaced by A.
Protein change: p.Val2923Met; replaces valine 2923 with methionine.
Molecular consequence: missense variant.
Genome position (GRCh38, 1-based): chr11:103,215,793, G>A. VCF-style: chr11-103215793-G-A. GRCh37 (hg19) VCF-style: chr11-103086522-G-A.
Other names: c.8767G>A, p.Val2923Met (NM_001080463.2); short protein forms V2923M.
Identifiers: ClinVar variation 4740211 (VCV004740211.1).
Genomic context (GRCh38, chr11:103,215,793, plus strand): 5'-AAACTAAATGAAGCTAAAGCTCTTGTGGATGAACTGAACAGAAAAGCTGGAGAACAAAGT[G>A]TGTTACTTAAAACGAAGCAAGATGAAGCAGATGCTGCCCTTCAAATGATCACAGTGTCAA-3'
Protein context (NP_001368.2, residues 2913-2933): ELNRKAGEQS[Val2923Met]LLKTKQDEAD